The following is an entry in ClinVar:

NM_004333.6(BRAF):c.1177+2192T>G

Gene: BRAF (B-Raf proto-oncogene, serine/threonine kinase; minus strand). Cytogenetic location: 7q34.
Variant type: single nucleotide variant.
Coding change: c.1177+2192T>G on transcript NM_004333.6 (MANE Select); 2192 bases into the intron after coding-DNA position 1177, T replaced by G.
Molecular consequence: intron variant.
Genome position (GRCh38, 1-based): chr7:140,785,356, A>C on the plus strand (T>G on the coding strand, the complement: BRAF is on the minus strand). VCF-style: chr7-140785356-A-C. GRCh37 (hg19) VCF-style: chr7-140485156-A-C.
Other names: c.1177+2192T>G (NM_001378474.1, NM_001378468.1, NM_001354609.2 and 1 more transcripts); c.1075+2192T>G (NM_001378470.1); c.913+2192T>G (NM_001378475.1); c.1141-2273T>G (NM_001378471.1); c.1297+333T>G (NM_001374258.1, NM_001374244.1); c.1186+2192T>G (NM_001378467.1); c.1021+2192T>G (NM_001378472.1, NM_001378473.1).
Identifiers: ClinVar variation 2658036 (VCV002658036.24), dbSNP rs149355399, ClinGen allele CA168093015.
Genomic context (GRCh38, chr7:140,785,356, plus strand): 5'-ACAAATATTAAGTCATCAAGAATAATCACTTAAATGCATTAAAATCAAAGGAATCCAGTA[A>C]GCTCTTCCCCACCCACCTTATTTATTCCCACCCACTAAGTTTAAGAAATTATCAAGACCA-3'

ClinVar aggregate classification (germline): Likely benign (1 of 4 stars; one submission).

Allele frequency attached by ClinVar (database versions not stated): gnomAD 0.00162; 1000 Genomes Project 30x 0.00187; 1000 Genomes Project 0.00200; TOPMed 0.00223.
gnomAD v4.1: 248 of 152,338 alleles (0.16%); highest among the groups gnomAD compares: Middle Eastern, 1.4%; 1 homozygote.

Submission:

CeGaT Center for Human Genetics Tuebingen
Classification: Likely benign. Last evaluated: 2025-07-01. Review status: criteria provided, single submitter. Criteria: CeGaT Center For Human Genetics Tuebingen Variant Classification Criteria Version 2. Collection method: clinical testing. Allele origin: germline. Affected: yes. Observed: 6 variant alleles.
Comment: BRAF: BS1